The following is an entry in ClinVar:

ClinVar aggregate classification (germline): Uncertain significance (1 of 4 stars; one submission).

Conditions:
Cardiovascular phenotype. Identifiers: MedGen CN230736.

Submission:

Ambry Genetics
Classification: Uncertain significance for Cardiovascular phenotype. Last evaluated: 2021-06-26. Review status: criteria provided, single submitter. Criteria: Ambry Variant Classification Scheme 2023. Collection method: clinical testing. Allele origin: germline.
Comment: The p.G146E variant (also known as c.437G>A), located in coding exon 4 of the GATAD1 gene, results from a G to A substitution at nucleotide position 437. The glycine at codon 146 is replaced by glutamic acid, an amino acid with similar properties. This amino acid position is highly conserved in available vertebrate species. In addition, this alteration is predicted to be deleterious by in silico analysis. Since supporting evidence is limited at this time, the clinical significance of this alteration remains unclear.

NM_021167.5(GATAD1):c.437G>A (p.Gly146Glu)

Gene: GATAD1 (GATA zinc finger domain containing 1; plus strand). Cytogenetic location: 7q21.2.
Variant type: single nucleotide variant.
Coding change: c.437G>A on transcript NM_021167.5 (MANE Select); coding-DNA position 437, G replaced by A.
Protein change: p.Gly146Glu; replaces glycine 146 with glutamic acid.
Molecular consequence: missense variant. On other transcripts: non-coding transcript variant (1).
Genome position (GRCh38, 1-based): chr7:92,454,503, G>A. VCF-style: chr7-92454503-G-A. GRCh37 (hg19) VCF-style: chr7-92083817-G-A.
Other names: short protein forms G146E.
Identifiers: ClinVar variation 1740145 (VCV001740145.2), dbSNP rs1585170855, ClinGen allele CA368159571.